The following is an entry in ClinVar:

ClinVar aggregate classification (germline): Pathogenic (1 of 4 stars; one submission).

Conditions:
Osteogenesis imperfecta (OI). Identifiers: Orphanet 666, MedGen C0029434, MeSH D010013, MONDO:0019019.

Submission:

Genetics Department, Polish Mother's Memorial Hospital Research Institute
Classification: Pathogenic for Osteogenesis imperfecta. Last evaluated: 2020-04-06. Review status: criteria provided, single submitter. Criteria: ACMG Guidelines, 2015. Collection method: research. Allele origin: paternal. Affected: yes. Observed: 3 variant alleles.
Comment: We have reported heterozygous deletion ranging from exon 1 to 25 using MLPA technique.

NC_000017.11:g.(?_50193945)_(50201396_?)del

Gene: COL1A1 (collagen type I alpha 1 chain; minus strand). Cytogenetic location: 17q21.33.
Variant type: Deletion.
Identifiers: ClinVar variation 870104 (VCV000870104.2).